The following is an entry in ClinVar:

NM_000138.5(FBN1):c.7118C>G (p.Pro2373Arg)

Gene: FBN1 (fibrillin 1; minus strand). Cytogenetic location: 15q21.1.
Variant type: single nucleotide variant.
Coding change: c.7118C>G on transcript NM_000138.5 (MANE Select); coding-DNA position 7118, C replaced by G.
Protein change: p.Pro2373Arg; replaces proline 2373 with arginine.
Molecular consequence: missense variant.
Genome position (GRCh38, 1-based): chr15:48,427,653, G>C on the plus strand (C>G on the coding strand, the complement: FBN1 is on the minus strand). VCF-style: chr15-48427653-G-C. GRCh37 (hg19) VCF-style: chr15-48719850-G-C.
Other names: c.7118C>G, p.Pro2373Arg (NM_001406716.1); short protein forms P2373R.
Identifiers: ClinVar variation 4635364 (VCV004635364.1).

ClinVar aggregate classification (germline): Uncertain significance (1 of 4 stars; one submission).

Conditions:
Familial thoracic aortic aneurysm and aortic dissection (TAAD). Also called: Thoracic aortic aneurysms and dissections. Identifiers: Orphanet 91387, MedGen C4707243, MONDO:0019625.

gnomAD v4.1: 1 of 1,614,104 alleles (0.000062%); highest among the groups gnomAD compares: Non-Finnish European, 0.000085%; no homozygotes.

Submission:

Ambry Genetics
Classification: Uncertain significance for Familial thoracic aortic aneurysm and aortic dissection. Last evaluated: 2025-10-08. Review status: criteria provided, single submitter. Criteria: Ambry Variant Classification Scheme 2023. Collection method: clinical testing. Allele origin: germline.
Comment: The p.P2373R variant (also known as c.7118C>G), located in coding exon 57 of the FBN1 gene, results from a C to G substitution at nucleotide position 7118. The proline at codon 2373 is replaced by arginine, an amino acid with dissimilar properties. This amino acid position is not well conserved in available vertebrate species. In addition, the in silico prediction for this alteration is inconclusive. Based on the available evidence, the clinical significance of this variant remains unclear.